The following is an entry in ClinVar:

ClinVar aggregate classification (germline): Uncertain significance (1 of 4 stars; one submission).

Conditions:
Hypertrophic cardiomyopathy. Also called: HYPERTROPHIC MYOCARDIOPATHY. Identifiers: Orphanet 217569, MedGen C0007194, MeSH D002312, MONDO:0005045, HP:0001639.

Submission:

All of Us Research Program, National Institutes of Health
Classification: Uncertain significance for Hypertrophic cardiomyopathy. Last evaluated: 2024-09-23. Review status: criteria provided, single submitter. Criteria: ACMG Guidelines, 2015. Collection method: clinical testing. Allele origin: germline. Inheritance: Autosomal dominant inheritance. Observed: 1 variant allele, 1 heterozygote.
Comment: This study involves interpretation of variants in research participants for the purpose of population health screening. Participant phenotype was not available at the time of variant classification. Additional details can be found in publication PMID: 35346344, PMCID: PMC8962531

NM_016203.4(PRKAG2):c.1121T>C (p.Val374Ala)

Gene: PRKAG2 (protein kinase AMP-activated non-catalytic subunit gamma 2; minus strand). Cytogenetic location: 7q36.1.
Variant type: single nucleotide variant.
Coding change: c.1121T>C on transcript NM_016203.4 (MANE Select); coding-DNA position 1121, T replaced by C.
Protein change: p.Val374Ala; replaces valine 374 with alanine.
Molecular consequence: missense variant.
Genome position (GRCh38, 1-based): chr7:151,568,828, A>G on the plus strand (T>C on the coding strand, the complement: PRKAG2 is on the minus strand). VCF-style: chr7-151568828-A-G. GRCh37 (hg19) VCF-style: chr7-151265914-A-G.
Other names: c.458T>C, p.Val153Ala (NM_001407037.1); c.446T>C, p.Val149Ala (NM_001407038.1); c.395T>C, p.Val132Ala (NM_001407039.1, NM_001407040.1, NM_001407036.1); c.398T>C, p.Val133Ala (NM_024429.2, NM_001304531.2, NM_001407034.1 and 1 more transcripts); c.1118T>C, p.Val373Ala (NM_001407022.1, NM_001407023.1); c.989T>C, p.Val330Ala (NM_001407024.1, NM_001040633.2); c.986T>C, p.Val329Ala (NM_001407026.1, NM_001407027.1); c.749T>C, p.Val250Ala (NM_001407028.1, NM_001363698.2); and 6 more; short protein forms V132A, V133A, V149A, V153A, V249A, V250A, V266A, V268A.
Identifiers: ClinVar variation 3387529 (VCV003387529.1).
Genomic context (GRCh38, chr7:151,568,828, plus strand): 5'-TTCCCACTGATAGGGTCAATAACGGGCAATCTGTGGATTTTATTTTTGATCAAGGAGTAT[A>G]CAGCATCGAAGAGGCTGTGGGAGAAGTCATTAAAGTTGTTAGGAGGCTTTCGAGAAAAAT-3'
Protein context (NP_057287.2, residues 364-384): ISPDASLFDA[Val374Ala]YSLIKNKIHR